The following is an entry in ClinVar:

ClinVar aggregate classification (germline): Uncertain significance. Review status: criteria provided, multiple submitters, no conflicts (2 of 4 stars). 2 submissions from 2 submitters: Uncertain significance (2). Last evaluated 2022-12-05.

Conditions:
Inborn genetic diseases. Identifiers: MedGen C0950123, MeSH D030342.

Allele frequency attached by ClinVar (database versions not stated): TOPMed below 0.00001; gnomAD 0.00001; gnomAD exomes 0.00001 and 0.00002; ExAC 0.00002.
gnomAD v4.1: 30 of 1,613,948 alleles (0.0019%); highest among the groups gnomAD compares: Non-Finnish European, 0.0024%; no homozygotes.

Submissions (2):

Ambry Genetics
Classification: Uncertain significance for Inborn genetic diseases. Last evaluated: 2022-12-05. Review status: criteria provided, single submitter. Criteria: Ambry Variant Classification Scheme 2023. Collection method: clinical testing. Allele origin: germline.

GeneDx
Classification: Uncertain significance. Last evaluated: 2020-07-02. Review status: criteria provided, single submitter. Criteria: GeneDx Variant Classification Process June 2021. Collection method: clinical testing. Allele origin: germline. Affected: yes.
Comment: Not observed at a significant frequency in large population cohorts (Lek et al., 2016); In silico analysis supports that this missense variant has a deleterious effect on protein structure/function; Has not been previously published as pathogenic or benign to our knowledge

NM_014918.5(CHSY1):c.2242C>T (p.Pro748Ser)

Gene: CHSY1 (chondroitin sulfate synthase 1; minus strand). Cytogenetic location: 15q26.3.
Variant type: single nucleotide variant.
Coding change: c.2242C>T on transcript NM_014918.5 (MANE Select); coding-DNA position 2242, C replaced by T.
Protein change: p.Pro748Ser; replaces proline 748 with serine.
Molecular consequence: missense variant.
Genome position (GRCh38, 1-based): chr15:101,177,555, G>A on the plus strand (C>T on the coding strand, the complement: CHSY1 is on the minus strand). VCF-style: chr15-101177555-G-A. GRCh37 (hg19) VCF-style: chr15-101717760-G-A.
Other names: short protein forms P748S.
Identifiers: ClinVar variation 1320335 (VCV001320335.4), dbSNP rs768393362, ClinGen allele CA7762394.